The following is an entry in ClinVar:

ClinVar aggregate classification (germline): Conflicting classifications of pathogenicity. Review status: criteria provided, conflicting classifications (1 of 4 stars). 2 submissions from 2 submitters: Pathogenic (1); Uncertain significance (1). Last evaluated 2025-11-18.

Conditions:
Charcot-Marie-Tooth Neuropathy X. Identifiers: MedGen CN118851.

Submissions (2):

Labcorp Genetics (formerly Invitae), Labcorp
Classification: Pathogenic for Charcot-Marie-Tooth Neuropathy X. Last evaluated: 2025-11-18. Review status: criteria provided, single submitter. Criteria: Invitae Variant Classification Sherloc (09022015). Collection method: clinical testing. Allele origin: germline.
Comment: This variant occurs in a non-coding region of the GJB1 gene. It does not change the encoded amino acid sequence of the GJB1 protein. The frequency data for this variant in the population databases is considered unreliable, as metrics indicate insufficient coverage at this position in the gnomAD database. This variant has been observed in individual(s) with clinical features of Charcot-Marie-Tooth disease (PMID: 24078732; internal data). In at least one individual the variant was observed to be de novo. It has also been observed to segregate with disease in related individuals. This variant is also known as c.-184C>G or c.-540C>G. ClinVar contains an entry for this variant (Variation ID: 406227). For these reasons, this variant has been classified as Pathogenic.

GeneDx
Classification: Uncertain significance. Last evaluated: 2023-06-02. Review status: criteria provided, single submitter. Criteria: GeneDx Variant Classification Process June 2021. Collection method: clinical testing. Allele origin: germline. Affected: yes.
Comment: No data available from control populations to assess the frequency of this variant; Other regulatory variants in GJB1 have been reported in the Human Gene Mutation Database in individuals with CMT (Stenson et al., 2014).; This variant is not expected to alter the ATG initiation codon. In the absence of RNA/functional studies, the actual effect of this sequence change in this individual is unknown.; This variant is associated with the following publications: (PMID: 24078732)

Literature cited by the submitters: PubMed 24078732 (cited by Labcorp Genetics (formerly Invitae), Labcorp).

NM_001097642.3(GJB1):c.-16-524C>G

Gene: GJB1 (gap junction protein beta 1; plus strand). Cytogenetic location: Xq13.1.
Variant type: single nucleotide variant.
Coding change: c.-16-524C>G on transcript NM_001097642.3; 524 bases into the intron before 16 bases upstream of the start codon, C replaced by G.
Molecular consequence: intron variant.
Genome position (GRCh38, 1-based): chrX:71,223,168, C>G. VCF-style: chrX-71223168-C-G. GRCh37 (hg19) VCF-style: chrX-70443018-C-G.
Other names: c.-17+402C>G (NM_001440770.1).
Identifiers: ClinVar variation 406227 (VCV000406227.10), dbSNP rs1060501001, ClinGen allele CA16616703.